The following is an entry in ClinVar:

ClinVar aggregate classification (germline): Uncertain significance. Review status: reviewed by expert panel (3 of 4 stars). 4 submissions from 4 submitters: Uncertain significance (1). 3 of the submissions do not count toward it. Last evaluated 2025-01-08.

Conditions:
Autosomal recessive limb-girdle muscular dystrophy type 2C (LGMDR5). Also called: MUSCULAR DYSTROPHY, DUCHENNE-LIKE; MUSCULAR DYSTROPHY, LIMB-GIRDLE, AUTOSOMAL RECESSIVE 5. Identifiers: Orphanet 353, MedGen C0410173, MONDO:0009677, OMIM 253700. Disease mechanism: Affects gamma-sarcoglycan and also disrupts the integrity of the entire sarcoglycan complex..
Autosomal recessive limb-girdle muscular dystrophy. Identifiers: Orphanet 102015, MedGen C2931907, MONDO:0015152.

Submissions (4):

ClinGen Limb Girdle Muscular Dystrophy Variant Curation Expert Panel, ClinGen
Classification: Uncertain significance for Autosomal recessive limb-girdle muscular dystrophy. Last evaluated: 2025-01-08. Review status: reviewed by expert panel. Criteria: ClinGen LGMD VCEP ACMG Specifications SGCG V1.0.0. Collection method: curation. Allele origin: germline. Inheritance: Autosomal recessive inheritance.
Comment: The NM_000231.3: c.66T>A p.(Tyr22Ter) variant in SGCG is a nonsense variant predicted to cause a premature stop codon in biologically relevant exon 2/8. However, because the stop codon is located within the first 100 bp, the resulting transcript may escape nonsense mediated decay (PVS1_Moderate). This variant is absent from gnomAD v2.1.1 and 3.1.2 (PM2_Supporting). In summary, this variant meets the criteria to be classified as a variant of uncertain significance for autosomal recessive limb girdle muscular dystrophy based on the ACMG/AMP criteria applied, as specified by the ClinGen LGMD VCEP (LGMD VCEP specifications version 1.0.0; 01/08/2025): PVS1_Moderate, PM2_Supporting.

Natera, Inc.
Classification: Likely pathogenic for Limb-girdle muscular dystrophy type 2C. Last evaluated: 2024-07-15. Review status: criteria provided, single submitter. Criteria: Natera Variant Classification Schema (03/2026). Collection method: clinical testing. Allele origin: germline. Not counted in ClinVar's aggregate classification.
Comment: The c.66T>A variant in SGCG is a nonsense variant predicted to introduce a stop codon at amino acid 22. This variant is expected to result in nonsense mediated decay, truncation, or a dysfunctional protein product. This variant is rare in the general population with a frequency below the threshold expected for the associated phenotype(s). Given the available evidence, this variant is classified as Likely Pathogenic.

Baylor Genetics
Classification: Likely pathogenic for Autosomal recessive limb-girdle muscular dystrophy type 2C. Last evaluated: 2023-11-29. Review status: criteria provided, single submitter. Criteria: ACMG Guidelines, 2015. Collection method: clinical testing. Allele origin: unknown. Not counted in ClinVar's aggregate classification.

Labcorp Genetics (formerly Invitae), Labcorp
Classification: Pathogenic for Autosomal recessive limb-girdle muscular dystrophy type 2C. Last evaluated: 2020-11-15. Review status: criteria provided, single submitter. Criteria: Invitae Variant Classification Sherloc (09022015). Collection method: clinical testing. Allele origin: germline. Not counted in ClinVar's aggregate classification.
Comment: This variant has not been reported in the literature in individuals with SGCG-related conditions. Algorithms developed to predict the effect of sequence changes on RNA splicing suggest that this variant may create or strengthen a splice site, but this prediction has not been confirmed by published transcriptional studies. For these reasons, this variant has been classified as Pathogenic. This sequence change creates a premature translational stop signal (p.Tyr22*) in the SGCG gene. It is expected to result in an absent or disrupted protein product. Loss-of-function variants in SGCG are known to be pathogenic (PMID: 18285821). This variant is not present in population databases (ExAC no frequency).

Literature cited by the submitters: PubMed 18285821 (cited by Labcorp Genetics (formerly Invitae), Labcorp).

NM_000231.3(SGCG):c.66T>A (p.Tyr22Ter)

Gene: SGCG (sarcoglycan gamma; plus strand). Cytogenetic location: 13q12.12.
Variant type: single nucleotide variant.
Coding change: c.66T>A on transcript NM_000231.3 (MANE Select); coding-DNA position 66, T replaced by A.
Protein change: p.Tyr22Ter; replaces tyrosine 22 with a stop codon.
Molecular consequence: nonsense.
Genome position (GRCh38, 1-based): chr13:23,203,760, T>A. VCF-style: chr13-23203760-T-A. GRCh37 (hg19) VCF-style: chr13-23777899-T-A.
Other names: NM_000231.3(SGCG):c.66T>A; p.Tyr22Ter; c.120T>A, p.Tyr40Ter (NM_001378244.1); c.66T>A, p.Tyr22Ter (NM_001378245.1, NM_001378246.1); c.66T>A (NM_000231.2); short protein forms Y40*, Y22*.
Identifiers: ClinVar variation 1451826 (VCV001451826.9), dbSNP rs376410504, ClinGen allele CA387502402.